The following is an entry in ClinVar:

ClinVar aggregate classification (germline): Benign (1 of 4 stars; one submission).

Allele frequency attached by ClinVar (database versions not stated): gnomAD 0.69533 and 0.69761; gnomAD exomes 0.69778; TOPMed 0.70065; 1000 Genomes Project 0.72045; 1000 Genomes Project 30x 0.72205.
gnomAD v4.1: 206,270 of 295,814 alleles (70%); highest among the groups gnomAD compares: Admixed American, 77%; 72,433 homozygotes.

Submission:

GeneDx
Classification: Benign. Last evaluated: 2018-06-14. Review status: criteria provided, single submitter. Criteria: GeneDx Variant Classification (06012015). Collection method: clinical testing. Allele origin: germline. Affected: yes.
Comment: This variant is considered likely benign or benign based on one or more of the following criteria: it is a conservative change, it occurs at a poorly conserved position in the protein, it is predicted to be benign by multiple in silico algorithms, and/or has population frequency not consistent with disease.

NM_198904.4(GABRG2):c.632-1087C>T

Gene: GABRG2 (gamma-aminobutyric acid type A receptor subunit gamma2; plus strand). Cytogenetic location: 5q34.
Variant type: single nucleotide variant.
Coding change: c.632-1087C>T on transcript NM_198904.4 (MANE Select); 1087 bases into the intron before coding-DNA position 632, C replaced by T.
Molecular consequence: intron variant.
Genome position (GRCh38, 1-based): chr5:162,102,802, C>T. VCF-style: chr5-162102802-C-T. GRCh37 (hg19) VCF-style: chr5-161529808-C-T.
Other names: c.632-1087C>T (NM_000816.3, NM_001375344.1, NM_001375340.1 and 2 more transcripts); c.347-1087C>T (NM_001375349.1); c.751+129C>T (NM_001375343.1, NM_198903.2); c.212-1087C>T (NM_001375350.1, NM_001375348.1); c.623-1087C>T (NM_001375339.1); c.566-1087C>T (NM_001375346.1, NM_001375345.1); c.545-1087C>T (NM_001375347.1).
Identifiers: ClinVar variation 680292 (VCV000680292.1), dbSNP rs211033, ClinGen allele CA12150617.